The following is an entry in ClinVar:

NM_005334.3(HCFC1):c.2668G>A (p.Val890Ile)

Gene: HCFC1 (host cell factor C1; minus strand). Cytogenetic location: Xq28.
Variant type: single nucleotide variant.
Coding change: c.2668G>A on transcript NM_005334.3 (MANE Select); coding-DNA position 2668, G replaced by A.
Protein change: p.Val890Ile; replaces valine 890 with isoleucine.
Molecular consequence: missense variant.
Genome position (GRCh38, 1-based): chrX:153,956,379, C>T on the plus strand (G>A on the coding strand, the complement: HCFC1 is on the minus strand). VCF-style: chrX-153956379-C-T. GRCh37 (hg19) VCF-style: chrX-153221830-C-T.
Other names: short protein forms V890I.
Identifiers: ClinVar variation 854758 (VCV000854758.14), dbSNP rs949004802, ClinGen allele CA337254851.

ClinVar aggregate classification (germline): Uncertain significance. Review status: criteria provided, multiple submitters, no conflicts (2 of 4 stars). 2 submissions from 2 submitters: Uncertain significance (2). Last evaluated 2026-02-01.

Conditions:
Methylmalonic acidemia with homocystinuria, type cblX (MAHCX). Also called: INTELLECTUAL DEVELOPMENTAL DISORDER, X-LINKED 3. Identifiers: Orphanet 369962, MedGen C0796208, MONDO:0010657, OMIM 309541.

Allele frequency attached by ClinVar (database versions not stated): gnomAD exomes below 0.00001.
gnomAD v4.1: 1 of 1,211,669 alleles (0.000083%); highest among the groups gnomAD compares: Non-Finnish European, 0.00011%; no homozygotes.

Submissions (2):

CeGaT Center for Human Genetics Tuebingen
Classification: Uncertain significance. Last evaluated: 2026-02-01. Review status: criteria provided, single submitter. Criteria: CeGaT Center For Human Genetics Tuebingen Variant Classification Criteria Version 2. Collection method: clinical testing. Allele origin: germline. Affected: yes. Observed: 1 variant allele.
Comment: HCFC1: PP2

Labcorp Genetics (formerly Invitae), Labcorp
Classification: Uncertain significance for Methylmalonic acidemia with homocystinuria, type cblX. Last evaluated: 2022-08-09. Review status: criteria provided, single submitter. Criteria: Invitae Variant Classification Sherloc (09022015). Collection method: clinical testing. Allele origin: germline.
Comment: This variant has not been reported in the literature in individuals affected with HCFC1-related conditions. This variant is not present in population databases (gnomAD no frequency). This sequence change replaces valine, which is neutral and non-polar, with isoleucine, which is neutral and non-polar, at codon 890 of the HCFC1 protein (p.Val890Ile). Algorithms developed to predict the effect of missense changes on protein structure and function are either unavailable or do not agree on the potential impact of this missense change (SIFT: "Deleterious"; PolyPhen-2: "Probably Damaging"; Align-GVGD: "Class C0"). In summary, the available evidence is currently insufficient to determine the role of this variant in disease. Therefore, it has been classified as a Variant of Uncertain Significance. ClinVar contains an entry for this variant (Variation ID: 854758).